The following is an entry in ClinVar:

NC_000002.11:g.(?_32339687)_(32379565_?)dup

Gene: SPAST (spastin; plus strand). Cytogenetic location: 2p22.3.
Variant type: Duplication.
Identifiers: ClinVar variation 3247325 (VCV003247325.1).

ClinVar aggregate classification (germline): Uncertain significance (1 of 4 stars; one submission).

Conditions:
Hereditary spastic paraplegia 4. Also called: Spastic paraplegia 4, autosomal dominant; Familial spastic paraplegia autosomal dominant 2; Spastic Paraplegia 4. Identifiers: Orphanet 100985, MedGen C1866855, MONDO:0008438, OMIM 182601.

Submission:

Labcorp Genetics (formerly Invitae), Labcorp
Classification: Uncertain significance for Hereditary spastic paraplegia 4. Last evaluated: 2023-01-03. Review status: criteria provided, single submitter. Criteria: Invitae Variant Classification Sherloc (09022015). Collection method: clinical testing. Allele origin: unknown.
Comment: In summary, the available evidence is currently insufficient to determine the role of this variant in disease. Therefore, it has been classified as a Variant of Uncertain Significance. This variant has not been reported in the literature in individuals affected with SPAST-related conditions. This variant results in a copy number gain of the genomic region encompassing exon(s) 5-17 of the SPAST gene. This region includes the termination codon of the gene. This copy number gain extends beyond the assayed region for this gene and therefore may encompass additional genes. As the precise location of this event is unknown, it may be in tandem or it may be located elsewhere in the genome.